The following is an entry in ClinVar:

ClinVar aggregate classification (germline): Conflicting classifications of pathogenicity. Review status: no assertion criteria provided (0 of 4 stars). 2 submissions from 2 submitters: Pathogenic (1); Uncertain significance (1). Last evaluated 2023-05-12.

Conditions:
Pulmonary venoocclusive disease 1 (PVOD1). Also called: Pulmonary venoocclusive disease 1, autosomal dominant. Identifiers: Orphanet 31837, MedGen C3887658, MONDO:0020713, OMIM 265450.
Familial pulmonary capillary hemangiomatosis (PVOD2). Also called: Pulmonary venoocclusive disease 2; Pulmonary venoocclusive disease 2, autosomal recessive. Identifiers: Orphanet 199241, MedGen C0340848, MONDO:0009329, OMIM 234810.

Submissions (2):

UF D’onco_angiogenetique Et Genomique Des Tumeurs Solides, APHP Sorbonne Universite Hopital Pitie Salpetriere
Classification: Uncertain significance for Familial pulmonary capillary hemangiomatosis. Last evaluated: 2023-05-12. Review status: no assertion criteria provided. Collection method: clinical testing. Allele origin: unknown. Inheritance: Autosomal dominant inheritance. Affected: yes. Observed: 1 heterozygote.
Comment: This variant was identified in a patient with PVOD (same patient as the one described in PMID: 18626305) for whom a biallelic pathogenic variant was identified in the EIF2AK4 gene (PMID: 24292273.

OMIM
Classification: Pathogenic for PULMONARY VENOOCCLUSIVE DISEASE 1. Last evaluated: 2008-07-01. Review status: no assertion criteria provided. Collection method: literature only. Allele origin: germline.

Literature cited by the submitters: PubMed 18626305 (cited by UF D’onco_angiogenetique Et Genomique Des Tumeurs Solides, APHP Sorbonne Universite Hopital Pitie Salpetriere and OMIM); PubMed 24292273 (cited by UF D’onco_angiogenetique Et Genomique Des Tumeurs Solides, APHP Sorbonne Universite Hopital Pitie Salpetriere).

NM_001204.7(BMPR2):c.604A>T (p.Asn202Tyr)

Gene: BMPR2 (bone morphogenetic protein receptor type 2; plus strand). Cytogenetic location: 2q33.2.
Variant type: single nucleotide variant.
Coding change: c.604A>T on transcript NM_001204.7 (MANE Select); coding-DNA position 604, A replaced by T.
Protein change: p.Asn202Tyr; replaces asparagine 202 with tyrosine.
Molecular consequence: missense variant.
Genome position (GRCh38, 1-based): chr2:202,514,962, A>T. VCF-style: chr2-202514962-A-T. GRCh37 (hg19) VCF-style: chr2-203379685-A-T.
Other names: short protein forms N202Y.
Identifiers: ClinVar variation 39422 (VCV000039422.3), dbSNP rs397514496, ClinGen allele CA130275.